The following is an entry in ClinVar:

ClinVar aggregate classification (germline): Uncertain significance (1 of 4 stars; one submission).

Submission:

Labcorp Genetics (formerly Invitae), Labcorp
Classification: Uncertain significance. Last evaluated: 2025-12-21. Review status: criteria provided, single submitter. Criteria: Invitae Variant Classification Sherloc (09022015). Collection method: clinical testing. Allele origin: germline.
Comment: This sequence change replaces tryptophan, which is neutral and slightly polar, with leucine, which is neutral and non-polar, at codon 233 of the MTOR protein (p.Trp233Leu). This variant is not present in population databases (gnomAD no frequency). This variant has not been reported in the literature in individuals affected with MTOR-related conditions. Invitae Evidence Modeling of protein sequence and biophysical properties (such as structural, functional, and spatial information, amino acid conservation, physicochemical variation, residue mobility, and thermodynamic stability) indicates that this missense variant is not expected to disrupt MTOR protein function with a negative predictive value of 95%. In summary, the available evidence is currently insufficient to determine the role of this variant in disease. Therefore, it has been classified as a Variant of Uncertain Significance.

NM_004958.4(MTOR):c.698G>T (p.Trp233Leu)

Gene: MTOR (mechanistic target of rapamycin kinase; minus strand). Cytogenetic location: 1p36.22.
Variant type: single nucleotide variant.
Coding change: c.698G>T on transcript NM_004958.4 (MANE Select); coding-DNA position 698, G replaced by T.
Protein change: p.Trp233Leu; replaces tryptophan 233 with leucine.
Molecular consequence: missense variant. On other transcripts: 5 prime UTR variant (1).
Genome position (GRCh38, 1-based): chr1:11,255,999, C>A on the plus strand (G>T on the coding strand, the complement: MTOR is on the minus strand). VCF-style: chr1-11255999-C-A. GRCh37 (hg19) VCF-style: chr1-11316056-C-A.
Other names: c.698G>T, p.Trp233Leu (NM_001386500.1); c.-442G>T (NM_001386501.1); short protein forms W233L.
Identifiers: ClinVar variation 4799854 (VCV004799854.1).